The following is an entry in ClinVar:

ClinVar aggregate classification (germline): Uncertain significance. Review status: criteria provided, multiple submitters, no conflicts (2 of 4 stars). 3 submissions from 3 submitters: Uncertain significance (3). Last evaluated 2023-03-26.

Conditions:
Hereditary cancer-predisposing syndrome. Also called: Neoplastic Syndromes, Hereditary; Hereditary Cancer Syndrome; Hereditary neoplastic syndrome; Tumor predisposition. Identifiers: Orphanet 140162, MedGen C0027672, MeSH D009386, MONDO:0015356.
Cardiovascular phenotype. Identifiers: MedGen CN230736.
Neurofibromatosis, type 1 (NF1). Also called: Neurofibromatosis, type I; Peripheral type neurofibromatosis; VON RECKLINGHAUSEN DISEASE; NEUROFIBROMATOSIS, TYPE I, SOMATIC. Identifiers: Orphanet 636, MedGen C0027831, MONDO:0018975, OMIM 162200. Disease mechanism: loss of function.

Submissions (3):

Labcorp Genetics (formerly Invitae), Labcorp
Classification: Uncertain significance for Neurofibromatosis, type 1. Last evaluated: 2023-03-26. Review status: criteria provided, single submitter. Criteria: Invitae Variant Classification Sherloc (09022015). Collection method: clinical testing. Allele origin: germline.
Comment: ClinVar contains an entry for this variant (Variation ID: 827050). Advanced modeling of protein sequence and biophysical properties (such as structural, functional, and spatial information, amino acid conservation, physicochemical variation, residue mobility, and thermodynamic stability) has been performed at Invitae for this missense variant, however the output from this modeling did not meet the statistical confidence thresholds required to predict the impact of this variant on NF1 protein function. In summary, the available evidence is currently insufficient to determine the role of this variant in disease. Therefore, it has been classified as a Variant of Uncertain Significance. This sequence change replaces leucine, which is neutral and non-polar, with isoleucine, which is neutral and non-polar, at codon 2483 of the NF1 protein (p.Leu2483Ile). This variant is not present in population databases (gnomAD no frequency). This variant has not been reported in the literature in individuals affected with NF1-related conditions.

Genome-Nilou Lab
Classification: Uncertain significance for Neurofibromatosis, type 1. Last evaluated: 2022-03-15. Review status: criteria provided, single submitter. Criteria: ACMG Guidelines, 2015. Collection method: clinical testing. Allele origin: germline. Affected: no.

Ambry Genetics
Classification: Uncertain significance for Cardiovascular phenotype; Hereditary cancer-predisposing syndrome. Last evaluated: 2018-09-13. Review status: criteria provided, single submitter. Criteria: Ambry Variant Classification Scheme 2023. Collection method: clinical testing. Allele origin: germline.
Comment: The p.L2483I variant (also known as c.7447C>A), located in coding exon 50 of the NF1 gene, results from a C to A substitution at nucleotide position 7447. The leucine at codon 2483 is replaced by isoleucine, an amino acid with highly similar properties. This amino acid position is highly conserved in available vertebrate species. In addition, this alteration is predicted to be tolerated by in silico analysis. Since supporting evidence is limited at this time, the clinical significance of this alteration remains unclear.

NM_001042492.3(NF1):c.7510C>A (p.Leu2504Ile)

Gene: NF1 (neurofibromin 1; plus strand). Cytogenetic location: 17q11.2.
Variant type: single nucleotide variant.
Coding change: c.7510C>A on transcript NM_001042492.3 (MANE Select); coding-DNA position 7510, C replaced by A.
Protein change: p.Leu2504Ile; replaces leucine 2504 with isoleucine.
Molecular consequence: missense variant.
Genome position (GRCh38, 1-based): chr17:31,352,309, C>A. VCF-style: chr17-31352309-C-A. GRCh37 (hg19) VCF-style: chr17-29679327-C-A.
Other names: c.7447C>A, p.Leu2483Ile (NM_000267.4); short protein forms L2483I, L2504I.
Identifiers: ClinVar variation 827050 (VCV000827050.12), dbSNP rs876658333, ClinGen allele CA399017540.